The following is an entry in ClinVar:

ClinVar aggregate classification (germline): Uncertain significance (1 of 4 stars; one submission).

Conditions:
Renal carnitine transport defect (CDSP). Also called: Systemic primary carnitine deficiency disease; Carnitine transporter deficiency; Carnitine Deficiency, Systemic; Primary carnitine deficiency; Systemic primary carnitine deficiency; CARNITINE DEFICIENCY, SYSTEMIC, DUE TO DEFECT IN RENAL REABSORPTION OF CARNITINE. Identifiers: Orphanet 158, MedGen C0342788, MONDO:0008919, OMIM 212140.

Submission:

Labcorp Genetics (formerly Invitae), Labcorp
Classification: Uncertain significance for Renal carnitine transport defect. Last evaluated: 2020-10-09. Review status: criteria provided, single submitter. Criteria: Invitae Variant Classification Sherloc (09022015). Collection method: clinical testing. Allele origin: germline.
Comment: In summary, the available evidence is currently insufficient to determine the role of this variant in disease. Therefore, it has been classified as a Variant of Uncertain Significance. Advanced modeling of protein sequence and biophysical properties (such as structural, functional, and spatial information, amino acid conservation, physicochemical variation, residue mobility, and thermodynamic stability) performed at Invitae indicates that this missense variant is not expected to disrupt SLC22A5 protein function. This variant has not been reported in the literature in individuals with SLC22A5-related conditions. This variant is not present in population databases (ExAC no frequency). This sequence change replaces glutamine with lysine at codon 326 of the SLC22A5 protein (p.Gln326Lys). The glutamine residue is weakly conserved and there is a small physicochemical difference between glutamine and lysine.

NM_003060.4(SLC22A5):c.976C>A (p.Gln326Lys)

Gene: SLC22A5 (solute carrier family 22 member 5; plus strand). Cytogenetic location: 5q31.1.
Variant type: single nucleotide variant.
Coding change: c.976C>A on transcript NM_003060.4 (MANE Select); coding-DNA position 976, C replaced by A.
Protein change: p.Gln326Lys; replaces glutamine 326 with lysine.
Molecular consequence: missense variant.
Genome position (GRCh38, 1-based): chr5:132,388,945, C>A. VCF-style: chr5-132388945-C-A. GRCh37 (hg19) VCF-style: chr5-131724637-C-A.
Other names: c.1048C>A, p.Gln350Lys (NM_001308122.2); short protein forms Q326K, Q350K.
Identifiers: ClinVar variation 1060298 (VCV001060298.9), dbSNP rs1047810495, ClinGen allele CA360806143.